The following is an entry in ClinVar:

ClinVar aggregate classification (germline): Uncertain significance (1 of 4 stars; one submission).

Submission:

Labcorp Genetics (formerly Invitae), Labcorp
Classification: Uncertain significance. Last evaluated: 2025-06-24. Review status: criteria provided, single submitter. Criteria: Invitae Variant Classification Sherloc (09022015). Collection method: clinical testing. Allele origin: germline.
Comment: This sequence change replaces alanine, which is neutral and non-polar, with glutamic acid, which is acidic and polar, at codon 6 of the COQ7 protein (p.Ala6Glu). Information on the frequency of this variant in the gnomAD database is not available, as this variant may be reported differently in the database. This variant has not been reported in the literature in individuals affected with COQ7-related conditions. ClinVar contains an entry for this variant (Variation ID: 1498446). An algorithm developed to predict the effect of missense changes on protein structure and function (PolyPhen-2) suggests that this variant is likely to be tolerated. In summary, the available evidence is currently insufficient to determine the role of this variant in disease. Therefore, it has been classified as a Variant of Uncertain Significance.

NM_016138.5(COQ7):c.17_18delinsAA (p.Ala6Glu)

Genes: COQ7 (coenzyme Q7, hydroxylase; plus strand), COQ7-DT (COQ7 divergent transcript; minus strand), LOC130058587 (ATAC-STARR-seq lymphoblastoid silent region 7240; plus strand). Cytogenetic location: 16p12.3.
Variant type: Indel.
Coding change: c.17_18delinsAA on transcript NM_016138.5 (MANE Select); coding-DNA positions 17 to 18, CG replaced by AA.
Protein change: p.Ala6Glu; replaces alanine 6 with glutamic acid.
Molecular consequence: missense variant. On other transcripts: non-coding transcript variant (5).
Genome position (GRCh38, 1-based): chr16:19,067,681-19,067,682, CG replaced by AA. VCF-style: chr16-19067681-CG-AA. GRCh37 (hg19) VCF-style: chr16-19079003-CG-AA.
Other names: c.17_18delinsAA, p.Ala6Glu (NM_001370490.1); short protein forms A6E.
Identifiers: ClinVar variation 1498446 (VCV001498446.4), dbSNP rs2142347818, ClinGen allele CA2573151914.